The following is an entry in ClinVar:

ClinVar aggregate classification (germline): Uncertain significance. Review status: criteria provided, multiple submitters, no conflicts (2 of 4 stars). 2 submissions from 2 submitters: Uncertain significance (2). Last evaluated 2023-09-05.

Conditions:
Gorlin syndrome. Also called: Nevoid Basal Cell Carcinoma Syndrome; Basal cell nevus syndrome. Identifiers: Orphanet 377, MedGen C0004779, MONDO:0007187.
Basal cell carcinoma, susceptibility to, 1. Also called: BCC1. Identifiers: MedGen C2751544, MONDO:0011556, OMIM 605462.

Submissions (2):

Labcorp Genetics (formerly Invitae), Labcorp
Classification: Uncertain significance for Gorlin syndrome. Last evaluated: 2023-09-05. Review status: criteria provided, single submitter. Criteria: Invitae Variant Classification Sherloc (09022015). Collection method: clinical testing. Allele origin: germline.
Comment: This variant is not present in population databases (gnomAD no frequency). In summary, the available evidence is currently insufficient to determine the role of this variant in disease. Therefore, it has been classified as a Variant of Uncertain Significance. Advanced modeling of protein sequence and biophysical properties (such as structural, functional, and spatial information, amino acid conservation, physicochemical variation, residue mobility, and thermodynamic stability) performed at Invitae indicates that this missense variant is not expected to disrupt PTCH1 protein function. This variant has not been reported in the literature in individuals affected with PTCH1-related conditions. This sequence change replaces arginine, which is basic and polar, with glycine, which is neutral and non-polar, at codon 824 of the PTCH1 protein (p.Arg824Gly).

Baylor Genetics
Classification: Uncertain significance for Basal cell carcinoma, susceptibility to, 1. Last evaluated: 2023-05-12. Review status: criteria provided, single submitter. Criteria: ACMG Guidelines, 2015. Collection method: clinical testing. Allele origin: unknown.

NM_000264.5(PTCH1):c.2470A>G (p.Arg824Gly)

Genes: PTCH1 (patched 1; minus strand), LOC100507346 (uncharacterized LOC100507346; plus strand). Cytogenetic location: 9q22.32.
Variant type: single nucleotide variant.
Coding change: c.2470A>G on transcript NM_000264.5 (MANE Select); coding-DNA position 2470, A replaced by G.
Protein change: p.Arg824Gly; replaces arginine 824 with glycine.
Molecular consequence: missense variant. On other transcripts: non-coding transcript variant (2).
Genome position (GRCh38, 1-based): chr9:95,467,206, T>C on the plus strand (A>G on the coding strand, the complement: PTCH1 is on the minus strand). VCF-style: chr9-95467206-T-C. GRCh37 (hg19) VCF-style: chr9-98229488-T-C.
Other names: c.2272A>G, p.Arg758Gly (NM_001083602.3); c.2467A>G, p.Arg823Gly (NM_001083603.3); c.2017A>G, p.Arg673Gly (NM_001083604.3, NM_001083605.3, NM_001083606.3 and 1 more transcripts); c.2314A>G, p.Arg772Gly (NM_001354918.2); short protein forms R673G, R758G, R772G, R823G, R824G.
Identifiers: ClinVar variation 2678090 (VCV002678090.4), dbSNP rs2117955352, ClinGen allele CA374114045.